The following is an entry in ClinVar:

NM_020928.2(ZSWIM6):c.517G>C (p.Ala173Pro)

Gene: ZSWIM6 (zinc finger SWIM-type containing 6; plus strand). Cytogenetic location: 5q12.1.
Variant type: single nucleotide variant.
Coding change: c.517G>C on transcript NM_020928.2 (MANE Select); coding-DNA position 517, G replaced by C.
Protein change: p.Ala173Pro; replaces alanine 173 with proline.
Molecular consequence: missense variant.
Genome position (GRCh38, 1-based): chr5:61,332,789, G>C. VCF-style: chr5-61332789-G-C. GRCh37 (hg19) VCF-style: chr5-60628616-G-C.
Other names: short protein forms A173P.
Identifiers: ClinVar variation 1492942 (VCV001492942.6), dbSNP rs1262666805, ClinGen allele CA359940873.

ClinVar aggregate classification (germline): Uncertain significance (1 of 4 stars; one submission).

Submission:

Labcorp Genetics (formerly Invitae), Labcorp
Classification: Uncertain significance. Last evaluated: 2022-11-01. Review status: criteria provided, single submitter. Criteria: Invitae Variant Classification Sherloc (09022015). Collection method: clinical testing. Allele origin: germline.
Comment: In summary, the available evidence is currently insufficient to determine the role of this variant in disease. Therefore, it has been classified as a Variant of Uncertain Significance. Algorithms developed to predict the effect of missense changes on protein structure and function are either unavailable or do not agree on the potential impact of this missense change (SIFT: "Tolerated"; PolyPhen-2: "Not Available"; Align-GVGD: "Class C0"). ClinVar contains an entry for this variant (Variation ID: 1492942). This variant has not been reported in the literature in individuals affected with ZSWIM6-related conditions. The frequency data for this variant in the population databases is considered unreliable, as metrics indicate insufficient coverage at this position in the gnomAD database. This sequence change replaces alanine, which is neutral and non-polar, with proline, which is neutral and non-polar, at codon 173 of the ZSWIM6 protein (p.Ala173Pro).